The following is an entry in ClinVar:

NM_000548.5(TSC2):c.5119A>C (p.Asn1707His)

Gene: TSC2 (TSC complex subunit 2; plus strand). Cytogenetic location: 16p13.3.
Variant type: single nucleotide variant.
Coding change: c.5119A>C on transcript NM_000548.5 (MANE Select); coding-DNA position 5119, A replaced by C.
Protein change: p.Asn1707His; replaces asparagine 1707 with histidine.
Molecular consequence: missense variant.
Genome position (GRCh38, 1-based): chr16:2,088,098, A>C. VCF-style: chr16-2088098-A-C. GRCh37 (hg19) VCF-style: chr16-2138099-A-C.
Other names: c.4918A>C, p.Asn1640His (NM_001077183.3); c.5050A>C, p.Asn1684His (NM_001114382.3); c.4810A>C, p.Asn1604His (NM_001318827.2); c.4774A>C, p.Asn1592His (NM_001318829.2); c.4387A>C, p.Asn1463His (NM_001318831.2); c.4951A>C, p.Asn1651His (NM_001318832.2); c.4921A>C, p.Asn1641His (NM_001363528.2); c.4987A>C, p.Asn1663His (NM_001370404.1); and 1 more; short protein forms N1707H, N1604H, N1640H, N1463H, N1664H, N1684H, N1592H, N1651H.
Identifiers: ClinVar variation 535852 (VCV000535852.17), dbSNP rs1300582033, ClinGen allele CA394312361.

ClinVar aggregate classification (germline): Conflicting classifications of pathogenicity. Review status: criteria provided, conflicting classifications (1 of 4 stars). 4 submissions from 4 submitters: Uncertain significance (3); Benign (1). Last evaluated 2026-04-10.

Conditions:
Isolated focal cortical dysplasia type II (FCORD2). Also called: Focal cortical dysplasia type II; CORTICAL DYSPLASIA OF TAYLOR. Identifiers: Orphanet 268994, MedGen C1846385, MONDO:0011818, OMIM 607341, HP:0032051.
Hereditary cancer-predisposing syndrome. Also called: Neoplastic Syndromes, Hereditary; Tumor predisposition; Hereditary Cancer Syndrome; Hereditary neoplastic syndrome. Identifiers: Orphanet 140162, MedGen C0027672, MeSH D009386, MONDO:0015356.
Tuberous sclerosis 2 (TSC2). Identifiers: Orphanet 805, MedGen C1860707, MONDO:0013199, OMIM 613254.

Allele frequency attached by ClinVar (database versions not stated): TOPMed 0.00001.
gnomAD v4.1: 1 of 1,612,930 alleles (0.000062%); highest among the groups gnomAD compares: Non-Finnish European, 0.000085%; no homozygotes.

Submissions (4):

Ambry Genetics
Classification: Uncertain significance for Hereditary cancer-predisposing syndrome. Last evaluated: 2026-04-10. Review status: criteria provided, single submitter. Criteria: Ambry Variant Classification Scheme 2023. Collection method: clinical testing. Allele origin: germline.
Comment: The p.N1707H variant (also known as c.5119A>C), located in coding exon 39 of the TSC2 gene, results from an A to C substitution at nucleotide position 5119. The asparagine at codon 1707 is replaced by histidine, an amino acid with similar properties. This variant was detected as heterozygous in individual(s) with no reported features of tuberous sclerosis complex (Ambry internal data). This amino acid position is highly conserved in available vertebrate species. In addition, the in silico prediction for this alteration is inconclusive. Based on the available evidence, the clinical significance of this variant remains unclear.

Labcorp Genetics (formerly Invitae), Labcorp
Classification: Benign for Tuberous sclerosis 2. Last evaluated: 2026-01-08. Review status: criteria provided, single submitter. Criteria: Invitae Variant Classification Sherloc (09022015). Collection method: clinical testing. Allele origin: germline.

Baylor Genetics
Classification: Uncertain significance for Isolated focal cortical dysplasia type II. Last evaluated: 2023-09-03. Review status: criteria provided, single submitter. Criteria: ACMG Guidelines, 2015. Collection method: clinical testing. Allele origin: unknown.

Blueprint Genetics
Classification: Uncertain significance. Last evaluated: 2022-02-11. Review status: criteria provided, single submitter. Criteria: ACMG Guidelines, 2015. Collection method: clinical testing. Allele origin: germline.